The following is an entry in ClinVar:

ClinVar aggregate classification (germline): Uncertain significance (1 of 4 stars; one submission).

Submission:

Labcorp Genetics (formerly Invitae), Labcorp
Classification: Uncertain significance. Last evaluated: 2022-01-18. Review status: criteria provided, single submitter. Criteria: Invitae Variant Classification Sherloc (09022015). Collection method: clinical testing. Allele origin: germline.
Comment: In summary, the available evidence is currently insufficient to determine the role of this variant in disease. Therefore, it has been classified as a Variant of Uncertain Significance. Algorithms developed to predict the effect of missense changes on protein structure and function are either unavailable or do not agree on the potential impact of this missense change (SIFT: "Deleterious"; PolyPhen-2: "Benign"; Align-GVGD: "Class C0"). This variant has not been reported in the literature in individuals affected with COL13A1-related conditions. This variant is not present in population databases (gnomAD no frequency). This sequence change replaces alanine, which is neutral and non-polar, with threonine, which is neutral and polar, at codon 56 of the COL13A1 protein (p.Ala56Thr).

NM_001368882.1(COL13A1):c.166G>A (p.Ala56Thr)

Gene: COL13A1 (collagen type XIII alpha 1 chain; plus strand). Cytogenetic location: 10q22.1.
Variant type: single nucleotide variant.
Coding change: c.166G>A on transcript NM_001368882.1 (MANE Select); coding-DNA position 166, G replaced by A.
Protein change: p.Ala56Thr; replaces alanine 56 with threonine.
Molecular consequence: missense variant. On other transcripts: 5 prime UTR variant (1).
Genome position (GRCh38, 1-based): chr10:69,802,589, G>A. VCF-style: chr10-69802589-G-A. GRCh37 (hg19) VCF-style: chr10-71562345-G-A.
Other names: c.166G>A, p.Ala56Thr (NM_001130103.2, NM_001320951.2, NM_001368883.1 and 11 more transcripts); c.-488G>A (NM_001368886.1); short protein forms A56T.
Identifiers: ClinVar variation 2087637 (VCV002087637.4), dbSNP rs2540875670, ClinGen allele CA376961683.